The following is an entry in ClinVar:

NM_177438.3(DICER1):c.4399A>G (p.Ile1467Val)

Gene: DICER1 (dicer 1, ribonuclease III; minus strand). Cytogenetic location: 14q32.13.
Variant type: single nucleotide variant.
Coding change: c.4399A>G on transcript NM_177438.3 (MANE Select); coding-DNA position 4399, A replaced by G.
Protein change: p.Ile1467Val; replaces isoleucine 1467 with valine.
Molecular consequence: missense variant. On other transcripts: non-coding transcript variant (6).
Genome position (GRCh38, 1-based): chr14:95,096,521, T>C on the plus strand (A>G on the coding strand, the complement: DICER1 is on the minus strand). VCF-style: chr14-95096521-T-C. GRCh37 (hg19) VCF-style: chr14-95562858-T-C.
Other names: c.4399A>G, p.Ile1467Val (NM_001195573.1, NM_001271282.3, NM_001291628.2 and 13 more transcripts); c.4117A>G, p.Ile1373Val (NM_001395686.1); c.3994A>G, p.Ile1332Val (NM_001395687.1, NM_001395688.1, NM_001395689.1 and 2 more transcripts); c.3832A>G, p.Ile1278Val (NM_001395691.1); c.2716A>G, p.Ile906Val (NM_001395697.1); short protein forms I1467V, I1373V, I1332V, I1278V, I906V.
Identifiers: ClinVar variation 2961304 (VCV002961304.3), dbSNP rs2542505818, ClinGen allele CA390868828.

ClinVar aggregate classification (germline): Uncertain significance (1 of 4 stars; one submission).

Conditions:
DICER1-related tumor predisposition. Also called: DICER1 syndrome; DICER1-related pleuropulmonary blastoma cancer predisposition syndrome. Identifiers: Orphanet 284343, MedGen C3839822, MONDO:0100216.

Submission:

Labcorp Genetics (formerly Invitae), Labcorp
Classification: Uncertain significance for DICER1-related tumor predisposition. Last evaluated: 2023-09-11. Review status: criteria provided, single submitter. Criteria: Invitae Variant Classification Sherloc (09022015). Collection method: clinical testing. Allele origin: germline.
Comment: This sequence change replaces isoleucine, which is neutral and non-polar, with valine, which is neutral and non-polar, at codon 1467 of the DICER1 protein (p.Ile1467Val). This variant is not present in population databases (gnomAD no frequency). This variant has not been reported in the literature in individuals affected with DICER1-related conditions. An algorithm developed to predict the effect of missense changes on protein structure and function (PolyPhen-2) suggests that this variant is likely to be disruptive. In summary, the available evidence is currently insufficient to determine the role of this variant in disease. Therefore, it has been classified as a Variant of Uncertain Significance.